The following is an entry in ClinVar:

ClinVar aggregate classification (germline): Uncertain significance (1 of 4 stars; one submission).

Conditions:
DeSanto-Shinawi syndrome due to WAC point mutation (DESSH). Also called: WAC-Related Intellectual Disability; DEVELOPMENTAL DELAY, BEHAVIORAL ABNORMALITIES, FACIAL DYSMORPHISM, AND OCULAR ABNORMALITIES; Facial dysmorphism-developmental delay-behavioral abnormalities syndrome due to WAC point mutation. Identifiers: Orphanet 284169, Orphanet 466950, MedGen C5681129, MONDO:0014741, OMIM 616708.

gnomAD v4.1: 2 of 1,614,000 alleles (0.00012%); highest among the groups gnomAD compares: Admixed American, 0.0017%; no homozygotes.

Submission:

Laboratorio de Genetica e Diagnostico Molecular, Hospital Israelita Albert Einstein
Classification: Uncertain significance for DeSanto-Shinawi syndrome due to WAC point mutation. Last evaluated: 2024-02-09. Review status: criteria provided, single submitter. Criteria: ACMG Guidelines, 2015. Collection method: clinical testing. Allele origin: germline. Affected: yes.
Comment: ACMG classification criteria: PM2 supporting, BP4 supporting

NM_016628.5(WAC):c.880C>G (p.Pro294Ala)

Gene: WAC (WW domain containing adaptor with coiled-coil; plus strand). Cytogenetic location: 10p12.1.
Variant type: single nucleotide variant.
Coding change: c.880C>G on transcript NM_016628.5 (MANE Select); coding-DNA position 880, C replaced by G.
Protein change: p.Pro294Ala; replaces proline 294 with alanine.
Molecular consequence: missense variant. On other transcripts: intron variant (1).
Genome position (GRCh38, 1-based): chr10:28,596,002, C>G. VCF-style: chr10-28596002-C-G. GRCh37 (hg19) VCF-style: chr10-28884931-C-G.
Other names: c.745C>G, p.Pro249Ala (NM_100264.3); c.610+5170C>G (NM_100486.4); short protein forms P249A, P294A.
Identifiers: ClinVar variation 4076306 (VCV004076306.1).